The following is an entry in ClinVar:

ClinVar aggregate classification (germline): Likely benign (0 of 4 stars; one submission).

Conditions:
PCNT-related disorder. Also called: PCNT-related condition.

gnomAD v4.1: 2 of 1,613,270 alleles (0.00012%); highest among the groups gnomAD compares: Non-Finnish European, 0.00017%; no homozygotes.

Submission:

PreventionGenetics, part of Exact Sciences
Classification: Likely benign for PCNT-related condition. Last evaluated: 2024-09-04. Review status: no assertion criteria provided. Collection method: clinical testing. Allele origin: germline.
Comment: This variant is classified as likely benign based on ACMG/AMP sequence variant interpretation guidelines (Richards et al. 2015 PMID: 25741868, with internal and published modifications).

NM_006031.6(PCNT):c.720+9G>A

Gene: PCNT (pericentrin; plus strand). Cytogenetic location: 21q22.3.
Variant type: single nucleotide variant.
Coding change: c.720+9G>A on transcript NM_006031.6 (MANE Select); 9 bases into the intron after coding-DNA position 720, G replaced by A.
Molecular consequence: intron variant.
Genome position (GRCh38, 1-based): chr21:46,346,217, G>A. VCF-style: chr21-46346217-G-A. GRCh37 (hg19) VCF-style: chr21-47766131-G-A.
Other names: c.366+9G>A (NM_001315529.2).
Identifiers: ClinVar variation 3345554 (VCV003345554.1).